The following is an entry in ClinVar:

NM_001365951.3(KIF1B):c.2446G>A (p.Glu816Lys)

Gene: KIF1B (kinesin family member 1B; plus strand). Cytogenetic location: 1p36.22.
Variant type: single nucleotide variant.
Coding change: c.2446G>A on transcript NM_001365951.3 (MANE Select); coding-DNA position 2446, G replaced by A.
Protein change: p.Glu816Lys; replaces glutamic acid 816 with lysine.
Molecular consequence: missense variant.
Genome position (GRCh38, 1-based): chr1:10,323,971, G>A. VCF-style: chr1-10323971-G-A. GRCh37 (hg19) VCF-style: chr1-10384029-G-A.
Other names: c.2446G>A, p.Glu816Lys (NM_001365952.1); c.2308G>A, p.Glu770Lys (NM_015074.3); short protein forms E770K, E816K.
Identifiers: ClinVar variation 4858827 (VCV004858827.1).

ClinVar aggregate classification (germline): Uncertain significance (1 of 4 stars; one submission).

Submission:

Ambry Genetics
Classification: Uncertain significance. Last evaluated: 2026-03-29. Review status: criteria provided, single submitter. Criteria: Ambry Variant Classification Scheme 2023. Collection method: clinical testing. Allele origin: germline.
Comment: The p.E770K variant (also known as c.2308G>A), located in coding exon 22 of the KIF1B gene, results from a G to A substitution at nucleotide position 2308. The glutamic acid at codon 770 is replaced by lysine, an amino acid with similar properties. This amino acid position is conserved. In addition, this alteration is predicted to be tolerated by in silico analysis. Based on the available evidence, the clinical significance of this variant remains unclear.